The following is an entry in ClinVar:

ClinVar aggregate classification (germline): Uncertain significance. Review status: criteria provided, multiple submitters, no conflicts (2 of 4 stars). 2 submissions from 2 submitters: Uncertain significance (2). Last evaluated 2025-06-04.

Conditions:
Hereditary cancer-predisposing syndrome. Also called: Neoplastic Syndromes, Hereditary; Tumor predisposition; Hereditary neoplastic syndrome; Hereditary Cancer Syndrome. Identifiers: Orphanet 140162, MedGen C0027672, MeSH D009386, MONDO:0015356.

Submissions (2):

Ambry Genetics
Classification: Uncertain significance for Hereditary cancer-predisposing syndrome. Last evaluated: 2025-06-04. Review status: criteria provided, single submitter. Criteria: Ambry Variant Classification Scheme 2023. Collection method: clinical testing. Allele origin: germline.
Comment: The p.M797T variant (also known as c.2390T>C), located in coding exon 21 of the POLE gene, results from a T to C substitution at nucleotide position 2390. The methionine at codon 797 is replaced by threonine, an amino acid with similar properties. This amino acid position is conserved. In addition, the in silico prediction for this alteration is inconclusive. Based on the available evidence, the clinical significance of this variant remains unclear.

Labcorp Genetics (formerly Invitae), Labcorp
Classification: Uncertain significance. Last evaluated: 2021-12-02. Review status: criteria provided, single submitter. Criteria: Invitae Variant Classification Sherloc (09022015). Collection method: clinical testing. Allele origin: germline.
Comment: In summary, the available evidence is currently insufficient to determine the role of this variant in disease. Therefore, it has been classified as a Variant of Uncertain Significance. Algorithms developed to predict the effect of missense changes on protein structure and function (SIFT, PolyPhen-2, Align-GVGD) all suggest that this variant is likely to be tolerated. This sequence change replaces methionine, which is neutral and non-polar, with threonine, which is neutral and polar, at codon 797 of the POLE protein (p.Met797Thr). This variant is not present in population databases (gnomAD no frequency). This variant has not been reported in the literature in individuals affected with POLE-related conditions.

NM_006231.4(POLE):c.2390T>C (p.Met797Thr)

Gene: POLE (DNA polymerase epsilon, catalytic subunit; minus strand). Cytogenetic location: 12q24.33.
Variant type: single nucleotide variant.
Coding change: c.2390T>C on transcript NM_006231.4 (MANE Select); coding-DNA position 2390, T replaced by C.
Protein change: p.Met797Thr; replaces methionine 797 with threonine.
Molecular consequence: missense variant.
Genome position (GRCh38, 1-based): chr12:132,665,380, A>G on the plus strand (T>C on the coding strand, the complement: POLE is on the minus strand). VCF-style: chr12-132665380-A-G. GRCh37 (hg19) VCF-style: chr12-133241966-A-G.
Other names: c.2390T>C (NM_006231.2); short protein forms M797T.
Identifiers: ClinVar variation 1387874 (VCV001387874.7), dbSNP rs2135961759, ClinGen allele CA387397407.